The following is an entry in ClinVar:

ClinVar aggregate classification (germline): Uncertain significance (1 of 4 stars; one submission).

Conditions:
Long QT syndrome (LQTS). Identifiers: MedGen C0023976, MeSH D008133, MONDO:0002442. Disease mechanism: loss of function. Inheritance: Various modes of inheritance.

Submission:

Labcorp Genetics (formerly Invitae), Labcorp
Classification: Uncertain significance for Long QT syndrome. Last evaluated: 2025-01-07. Review status: criteria provided, single submitter. Criteria: Invitae Variant Classification Sherloc (09022015). Collection method: clinical testing. Allele origin: germline.
Comment: This sequence change falls in intron 10 of the CACNA1C gene. It does not directly change the encoded amino acid sequence of the CACNA1C protein. It affects a nucleotide within the consensus splice site. This variant is not present in population databases (gnomAD no frequency). This variant has not been reported in the literature in individuals affected with CACNA1C-related conditions. Variants that disrupt the consensus splice site are a relatively common cause of aberrant splicing (PMID: 17576681, 9536098). Algorithms developed to predict the effect of sequence changes on RNA splicing suggest that this variant may disrupt the consensus splice site. In summary, the available evidence is currently insufficient to determine the role of this variant in disease. Therefore, it has been classified as a Variant of Uncertain Significance.

Literature cited by the submitters: PubMed 17576681; PubMed 9536098.

NM_000719.7(CACNA1C):c.1482-3C>G

Gene: CACNA1C (calcium voltage-gated channel subunit alpha1 C; plus strand). Cytogenetic location: 12p13.33.
Variant type: single nucleotide variant.
Coding change: c.1482-3C>G on transcript NM_000719.7 (MANE Select); 3 bases into the intron before coding-DNA position 1482, C replaced by G.
Molecular consequence: intron variant.
Genome position (GRCh38, 1-based): chr12:2,556,948, C>G. VCF-style: chr12-2556948-C-G. GRCh37 (hg19) VCF-style: chr12-2666114-C-G.
Other names: c.1482-3C>G (NM_001167624.3, NM_001167623.2, NM_001167625.2 and 18 more transcripts); c.1473-3C>G (NM_001129844.2).
Identifiers: ClinVar variation 3728612 (VCV003728612.2).